The following is an entry in ClinVar:

NM_020631.6(PLEKHG5):c.707C>T (p.Thr236Ile)

Gene: PLEKHG5 (pleckstrin homology and RhoGEF domain containing G5; minus strand). Cytogenetic location: 1p36.31.
Variant type: single nucleotide variant.
Coding change: c.707C>T on transcript NM_020631.6 (MANE Select); coding-DNA position 707, C replaced by T.
Protein change: p.Thr236Ile; replaces threonine 236 with isoleucine.
Molecular consequence: missense variant.
Genome position (GRCh38, 1-based): chr1:6,473,339, G>A on the plus strand (C>T on the coding strand, the complement: PLEKHG5 is on the minus strand). VCF-style: chr1-6473339-G-A. GRCh37 (hg19) VCF-style: chr1-6533399-G-A.
Other names: c.818C>T, p.Thr273Ile (NM_001042663.3, NM_001265592.2); c.707C>T, p.Thr236Ile (NM_001042664.2, NM_001042665.2, NM_001265594.3 and 1 more transcripts); c.914C>T, p.Thr305Ile (NM_001265593.2); short protein forms T236I, T305I, T273I.
Identifiers: ClinVar variation 566820 (VCV000566820.6), dbSNP rs1180691543, ClinGen allele CA338136842.

ClinVar aggregate classification (germline): Uncertain significance (1 of 4 stars; one submission).

Conditions:
Charcot-Marie-Tooth disease recessive intermediate C. Also called: CHARCOT-MARIE-TOOTH NEUROPATHY, RECESSIVE INTERMEDIATE C. Identifiers: Orphanet 369867, MedGen C3809309, MONDO:0014154, OMIM 615376.
Neuronopathy, distal hereditary motor, autosomal recessive 4. Also called: Autosomal recessive lower motor neuron disease with childhood onset; NEUROPATHY, DISTAL HEREDITARY MOTOR, AUTOSOMAL RECESSIVE 4. Identifiers: Orphanet 206580, MedGen C1970211, MONDO:0012608, OMIM 611067.

Allele frequency attached by ClinVar (database versions not stated): gnomAD exomes 0.00001.
gnomAD v4.1: 3 of 1,556,542 alleles (0.00019%); highest among the groups gnomAD compares: South Asian, 0.0035%; no homozygotes.

Submission:

Labcorp Genetics (formerly Invitae), Labcorp
Classification: Uncertain significance for Neuronopathy, distal hereditary motor, autosomal recessive 4; Charcot-Marie-Tooth disease recessive intermediate C. Last evaluated: 2022-04-16. Review status: criteria provided, single submitter. Criteria: Invitae Variant Classification Sherloc (09022015). Collection method: clinical testing. Allele origin: germline.
Comment: This sequence change replaces threonine, which is neutral and polar, with isoleucine, which is neutral and non-polar, at codon 236 of the PLEKHG5 protein (p.Thr236Ile). The frequency data for this variant in the population databases is considered unreliable, as metrics indicate poor data quality at this position in the gnomAD database. This variant has not been reported in the literature in individuals affected with PLEKHG5-related conditions. ClinVar contains an entry for this variant (Variation ID: 566820). Algorithms developed to predict the effect of missense changes on protein structure and function are either unavailable or do not agree on the potential impact of this missense change (SIFT: "Deleterious"; PolyPhen-2: "Benign"; Align-GVGD: "Class C0"). In summary, the available evidence is currently insufficient to determine the role of this variant in disease. Therefore, it has been classified as a Variant of Uncertain Significance.